The following is an entry in ClinVar:

NM_020312.4(COQ9):c.141A>C (p.Ser47=)

Gene: COQ9 (coenzyme Q9; plus strand). Cytogenetic location: 16q21.
Variant type: single nucleotide variant.
Coding change: c.141A>C on transcript NM_020312.4 (MANE Select); coding-DNA position 141, A replaced by C.
Protein change: p.Ser47=; no amino-acid change (serine 47 retained).
Molecular consequence: synonymous variant.
Genome position (GRCh38, 1-based): chr16:57,451,107, A>C. VCF-style: chr16-57451107-A-C. GRCh37 (hg19) VCF-style: chr16-57485019-A-C.
Other names: p.Ser47=.
Identifiers: ClinVar variation 4684102 (VCV004684102.1).

ClinVar aggregate classification (germline): Likely benign (1 of 4 stars; one submission).

gnomAD v4.1: 1 of 1,614,182 alleles (0.000062%); highest among the groups gnomAD compares: African/African-American, 0.0013%; no homozygotes.

Submission:

Mayo Clinic Laboratories, Mayo Clinic
Classification: Likely benign. Last evaluated: 2025-05-29. Review status: criteria provided, single submitter. Criteria: ACMG Guidelines, 2015. Collection method: clinical testing. Allele origin: germline. Observed: 1 variant allele.
Comment: BP4, BP7